The following is an entry in ClinVar:

ClinVar aggregate classification (germline): Uncertain significance (1 of 4 stars; one submission).

Conditions:
Hereditary cancer-predisposing syndrome. Also called: Neoplastic Syndromes, Hereditary; Tumor predisposition; Hereditary Cancer Syndrome; Hereditary neoplastic syndrome. Identifiers: Orphanet 140162, MedGen C0027672, MeSH D009386, MONDO:0015356.

Allele frequency attached by ClinVar (database versions not stated): TOPMed below 0.00001.
gnomAD v4.1: 1 of 1,606,866 alleles (0.000062%); highest among the groups gnomAD compares: South Asian, 0.0011%; no homozygotes.

Submission:

Ambry Genetics
Classification: Uncertain significance for Hereditary cancer-predisposing syndrome. Last evaluated: 2022-05-04. Review status: criteria provided, single submitter. Criteria: Ambry Variant Classification Scheme 2023. Collection method: clinical testing. Allele origin: germline.
Comment: The p.C59F variant (also known as c.176G>T), located in coding exon 2 of the EPCAM gene, results from a G to T substitution at nucleotide position 176. The cysteine at codon 59 is replaced by phenylalanine, an amino acid with highly dissimilar properties. This amino acid position is conserved. In addition, this alteration is predicted to be deleterious by in silico analysis. Since supporting evidence is limited at this time, the clinical significance of this alteration remains unclear.

NM_002354.3(EPCAM):c.176G>T (p.Cys59Phe)

Gene: EPCAM (epithelial cell adhesion molecule; plus strand). Cytogenetic location: 2p21.
Variant type: single nucleotide variant.
Coding change: c.176G>T on transcript NM_002354.3 (MANE Select); coding-DNA position 176, G replaced by T.
Protein change: p.Cys59Phe; replaces cysteine 59 with phenylalanine.
Molecular consequence: missense variant.
Genome position (GRCh38, 1-based): chr2:47,373,562, G>T. VCF-style: chr2-47373562-G-T. GRCh37 (hg19) VCF-style: chr2-47600701-G-T.
Other names: short protein forms C59F.
Identifiers: ClinVar variation 1779772 (VCV001779772.2), dbSNP rs1290177872, ClinGen allele CA346722680.